The following is an entry in ClinVar:

NM_001034853.2(RPGR):c.2764G>T (p.Glu922Ter)

Gene: RPGR (retinitis pigmentosa GTPase regulator; minus strand). Cytogenetic location: Xp11.4.
Variant type: single nucleotide variant.
Coding change: c.2764G>T on transcript NM_001034853.2 (MANE Select); coding-DNA position 2764, G replaced by T.
Protein change: p.Glu922Ter; replaces glutamic acid 922 with a stop codon.
Molecular consequence: nonsense. On other transcripts: intron variant (8).
Genome position (GRCh38, 1-based): chrX:38,286,235, C>A on the plus strand (G>T on the coding strand, the complement: RPGR is on the minus strand). VCF-style: chrX-38286235-C-A. GRCh37 (hg19) VCF-style: chrX-38145488-C-A.
Other names: c.1569+4724G>T (NM_001367249.1, NM_001367250.1); c.1902+859G>T (NM_001367245.1); c.1386+4724G>T (NM_001367251.1); c.1719+859G>T (NM_001367246.1); c.1572+4724G>T (NM_001367247.1); c.1905+859G>T (NM_000328.3); c.1602+4724G>T (NM_001367248.1); short protein forms E922*.
Identifiers: ClinVar variation 2176796 (VCV002176796.4), dbSNP rs2519787265, ClinGen allele CA412729836.
Genomic context (GRCh38, chrX:38,286,235, plus strand): 5'-CCCCTTCCCCTTCTCCTTCCTCCTCTTCCCCCTCCCCTTCTCCTTCCTCTCCTTCCTCCT[C>A]CCCTTTCCCTTCTCCTTCCTCCTCTTCTCCCTCCCCTTCTCCTTCCTCTTCTCCCTCCCC-3'

ClinVar aggregate classification (germline): Pathogenic (1 of 4 stars; one submission).

Conditions:
Primary ciliary dyskinesia. Also called: Ciliary dyskinesia. Identifiers: Orphanet 244, MedGen C0008780, MONDO:0016575, HP:0012265.

Submission:

Labcorp Genetics (formerly Invitae), Labcorp
Classification: Pathogenic for Primary ciliary dyskinesia. Last evaluated: 2024-06-26. Review status: criteria provided, single submitter. Criteria: Invitae Variant Classification Sherloc (09022015). Collection method: clinical testing. Allele origin: germline.
Comment: This sequence change creates a premature translational stop signal (p.Glu922*) in the RPGR (ORF15) gene. While this is not anticipated to result in nonsense mediated decay, it is expected to disrupt the last 231 amino acid(s) of the RPGR (ORF15) protein. This variant is not present in population databases (gnomAD no frequency). This variant has not been reported in the literature in individuals affected with RPGR (ORF15)-related conditions. ClinVar contains an entry for this variant (Variation ID: 2176796). This variant disrupts a region of the RPGR (ORF15) protein in which other variant(s) (p.Leu1130Lysfs*13) have been determined to be pathogenic (PMID: 22264887; Invitae). This suggests that this is a clinically significant region of the protein, and that variants that disrupt it are likely to be disease-causing. For these reasons, this variant has been classified as Pathogenic.

Literature cited by the submitters: PubMed 22264887.